The following is an entry in ClinVar:

ClinVar aggregate classification (germline): Uncertain significance. Review status: criteria provided, multiple submitters, no conflicts (2 of 4 stars). 2 submissions from 2 submitters: Uncertain significance (2). Last evaluated 2025-06-09.

Conditions:
Inborn genetic diseases. Identifiers: MedGen C0950123, MeSH D030342.

Allele frequency attached by ClinVar (database versions not stated): ExAC 0.00001.

Submissions (2):

Ambry Genetics
Classification: Uncertain significance for Inborn genetic diseases. Last evaluated: 2025-06-09. Review status: criteria provided, single submitter. Criteria: Ambry Variant Classification Scheme 2023. Collection method: clinical testing. Allele origin: germline.

Labcorp Genetics (formerly Invitae), Labcorp
Classification: Uncertain significance. Last evaluated: 2023-08-17. Review status: criteria provided, single submitter. Criteria: Invitae Variant Classification Sherloc (09022015). Collection method: clinical testing. Allele origin: germline.
Comment: This sequence change replaces aspartic acid, which is acidic and polar, with glycine, which is neutral and non-polar, at codon 147 of the WDR11 protein (p.Asp147Gly). This variant is present in population databases (rs780075067, gnomAD 0.0009%). This variant has not been reported in the literature in individuals affected with WDR11-related conditions. An algorithm developed to predict the effect of missense changes on protein structure and function (PolyPhen-2) suggests that this variant is likely to be tolerated. In summary, the available evidence is currently insufficient to determine the role of this variant in disease. Therefore, it has been classified as a Variant of Uncertain Significance.

NM_018117.12(WDR11):c.440A>G (p.Asp147Gly)

Gene: WDR11 (WD repeat domain 11; plus strand). Cytogenetic location: 10q26.12.
Variant type: single nucleotide variant.
Coding change: c.440A>G on transcript NM_018117.12 (MANE Select); coding-DNA position 440, A replaced by G.
Protein change: p.Asp147Gly; replaces aspartic acid 147 with glycine.
Molecular consequence: missense variant.
Genome position (GRCh38, 1-based): chr10:120,860,196, A>G. VCF-style: chr10-120860196-A-G. GRCh37 (hg19) VCF-style: chr10-122619708-A-G.
Other names: c.440A>G (NM_018117.11); short protein forms D147G.
Identifiers: ClinVar variation 2870333 (VCV002870333.4), dbSNP rs780075067, ClinGen allele CA5719447.